The following is an entry in ClinVar:

ClinVar aggregate classification (germline): Pathogenic (1 of 4 stars; one submission).

Conditions:
Deficiency of malonyl-CoA decarboxylase. Also called: Malonic aciduria; MCD deficiency. Identifiers: Orphanet 943, MedGen C0342793, MONDO:0009556, OMIM 248360.

Submission:

Labcorp Genetics (formerly Invitae), Labcorp
Classification: Pathogenic for Deficiency of malonyl-CoA decarboxylase. Last evaluated: 2023-09-01. Review status: criteria provided, single submitter. Criteria: Invitae Variant Classification Sherloc (09022015). Collection method: clinical testing. Allele origin: germline.
Comment: This sequence change creates a premature translational stop signal (p.Gln67*) in the MLYCD gene. It is expected to result in an absent or disrupted protein product. Loss-of-function variants in MLYCD are known to be pathogenic (PMID: 12955715, 17186413). This variant is not present in population databases (gnomAD no frequency). For these reasons, this variant has been classified as Pathogenic. This variant has not been reported in the literature in individuals affected with MLYCD-related conditions.

Literature cited by the submitters: PubMed 12955715; PubMed 17186413.

NM_012213.3(MLYCD):c.199C>T (p.Gln67Ter)

Gene: MLYCD (malonyl-CoA decarboxylase; plus strand). Cytogenetic location: 16q23.3.
Variant type: single nucleotide variant.
Coding change: c.199C>T on transcript NM_012213.3 (MANE Select); coding-DNA position 199, C replaced by T.
Protein change: p.Gln67Ter; replaces glutamine 67 with a stop codon.
Molecular consequence: nonsense.
Genome position (GRCh38, 1-based): chr16:83,899,343, C>T. VCF-style: chr16-83899343-C-T. GRCh37 (hg19) VCF-style: chr16-83932948-C-T.
Other names: short protein forms Q67*.
Identifiers: ClinVar variation 2713597 (VCV002713597.3), dbSNP rs2507370822, ClinGen allele CA396917842.